The following is an entry in ClinVar:

NM_016734.3(PAX5):c.710T>C (p.Leu237Pro)

Gene: PAX5 (paired box 5; minus strand). Cytogenetic location: 9p13.2.
Variant type: single nucleotide variant.
Coding change: c.710T>C on transcript NM_016734.3 (MANE Select); coding-DNA position 710, T replaced by C.
Protein change: p.Leu237Pro; replaces leucine 237 with proline.
Molecular consequence: missense variant. On other transcripts: non-coding transcript variant (2).
Genome position (GRCh38, 1-based): chr9:36,966,619, A>G on the plus strand (T>C on the coding strand, the complement: PAX5 is on the minus strand). VCF-style: chr9-36966619-A-G. GRCh37 (hg19) VCF-style: chr9-36966616-A-G.
Other names: c.710T>C, p.Leu237Pro (NM_001280547.2, NM_001280548.2, NM_001280549.2 and 2 more transcripts); c.386T>C, p.Leu129Pro (NM_001280551.2, NM_001280556.2); c.581T>C, p.Leu194Pro (NM_001280553.2, NM_001280554.2); c.512T>C, p.Leu171Pro (NM_001280555.2); short protein forms L171P, L237P, L129P, L194P.
Identifiers: ClinVar variation 5026296 (VCV005026296.1).

ClinVar aggregate classification (germline): Uncertain significance (1 of 4 stars; one submission).

Conditions:
Inborn genetic diseases. Identifiers: MedGen C0950123, MeSH D030342.

Submission:

Ambry Genetics
Classification: Uncertain significance for Inborn genetic diseases. Last evaluated: 2026-07-13. Review status: criteria provided, single submitter. Criteria: Ambry Variant Classification Scheme 2023. Collection method: clinical testing. Allele origin: germline.
Comment: The p.L237P variant (also known as c.710T>C), located in coding exon 6 of the PAX5 gene, results from a T to C substitution at nucleotide position 710. The leucine at codon 237 is replaced by proline, an amino acid with similar properties. This amino acid position is conserved. In addition, this alteration is predicted to be deleterious by in silico analysis. Based on the available evidence, the clinical significance of this variant remains unclear.